The following is an entry in ClinVar:

NM_012434.5(SLC17A5):c.436_437insACTCCTAAAT (p.Thr146delinsAsnSerTer)

Gene: SLC17A5 (solute carrier family 17 member 5; minus strand). Cytogenetic location: 6q13.
Variant type: Insertion.
Coding change: c.436_437insACTCCTAAAT on transcript NM_012434.5 (MANE Select); coding-DNA positions 436 to 437, ACTCCTAAAT inserted.
Protein change: p.Thr146delinsAsnSerTer.
Molecular consequence: nonsense.
Genome position: GRCh38 VCF-style: chr6-73641779-G-GATTTAGGAGT. GRCh37 (hg19) VCF-style: chr6-74351502-G-GATTTAGGAGT.
Other names: c.205_206insACTCCTAAAT, p.Thr69delinsAsnSerTer (NM_001382629.1, NM_001382636.1); c.436_437insACTCCTAAAT, p.Thr146delinsAsnSerTer (NM_001382630.1, NM_001382632.1, NM_001382633.1 and 2 more transcripts); c.457_458insACTCCTAAAT, p.Thr153delinsAsnSerTer (NM_001382631.1).
Identifiers: ClinVar variation 1725837 (VCV001725837.3), dbSNP rs2533510907, ClinGen allele CA2580075796.

ClinVar aggregate classification (germline): Likely pathogenic (1 of 4 stars; one submission).

Conditions:
Sialic acid storage disease, severe infantile type (ISSD). Also called: INFANTILE SIALIC ACID STORAGE DISORDER; N-ACETYLNEURAMINIC ACID STORAGE DISEASE; NANA STORAGE DISEASE; SIALURIA, INFANTILE FORM; Infantile Sialic Acid Storage Disease; Free sialic acid storage disease, infantile form. Identifiers: Orphanet 309324, Orphanet 834, MedGen C1096902, MONDO:0010027, OMIM 269920.

Submission:

Myriad Genetics, Inc.
Classification: Likely pathogenic for Sialic acid storage disease, severe infantile type. Last evaluated: 2022-04-02. Review status: criteria provided, single submitter. Criteria: Myriad Autosomal Dominant, Autosomal Recessive and X-Linked Classification Criteria (2023). Collection method: clinical testing. Allele origin: unknown.
Comment: NM_012434.4(SLC17A5):c.436_437ins10(T146Nfs*3) is expected to be pathogenic in the context of free sialic acid storage disorders. This variant is predicted to lead to an abnormal or absent protein product due to the creation of a premature termination codon in SLC17A5, a gene where loss-of-function variants are known to be pathogenic. Please note: this variant was assessed in the context of healthy population screening.